The following is an entry in ClinVar:

NM_001042492.3(NF1):c.5858T>C (p.Leu1953Pro)

Gene: NF1 (neurofibromin 1; plus strand). Cytogenetic location: 17q11.2.
Variant type: single nucleotide variant.
Coding change: c.5858T>C on transcript NM_001042492.3 (MANE Select); coding-DNA position 5858, T replaced by C.
Protein change: p.Leu1953Pro; replaces leucine 1953 with proline.
Molecular consequence: missense variant.
Genome position (GRCh38, 1-based): chr17:31,334,883, T>C. VCF-style: chr17-31334883-T-C. GRCh37 (hg19) VCF-style: chr17-29661901-T-C.
Other names: L348P; c.5795T>C, p.Leu1932Pro (NM_000267.4); short protein forms L1932P, L1953P.
Identifiers: ClinVar variation 334 (VCV000000334.14), dbSNP rs199474792, ClinGen allele CA219615.

ClinVar aggregate classification (germline): Conflicting classifications of pathogenicity. Review status: criteria provided, conflicting classifications (1 of 4 stars). 10 submissions from 10 submitters: Pathogenic (3); Likely pathogenic (3); Uncertain significance (1). 3 of the submissions do not count toward it. Last evaluated 2025-10-11.

Conditions:
NF1-related disorder. Also called: NF1-related condition. Identifiers: MedGen CN379171.
Neurocutaneous syndrome. Identifiers: MedGen C0265316, MONDO:0042983.
Hereditary cancer-predisposing syndrome. Also called: Tumor predisposition; Hereditary neoplastic syndrome; Hereditary Cancer Syndrome; Neoplastic Syndromes, Hereditary. Identifiers: Orphanet 140162, MedGen C0027672, MeSH D009386, MONDO:0015356.
Cardiovascular phenotype. Identifiers: MedGen CN230736.
Neurofibromatosis, type 1 (NF1). Also called: Peripheral type neurofibromatosis; VON RECKLINGHAUSEN DISEASE; NEUROFIBROMATOSIS, TYPE I, SOMATIC; Neurofibromatosis, type I. Identifiers: Orphanet 636, MedGen C0027831, MONDO:0018975, OMIM 162200. Disease mechanism: loss of function.

Submissions (10):

Medical and Scientific Branch, Hong Kong Genome Institute
Classification: Likely pathogenic for Neurofibromatosis, type 1. Last evaluated: 2025-10-11. Review status: criteria provided, single submitter. Criteria: ACMG Guidelines, 2015. Collection method: clinical testing. Allele origin: germline. Affected: yes.

3billion
Classification: Pathogenic for Neurofibromatosis, type 1. Last evaluated: 2025-05-20. Review status: criteria provided, single submitter. Criteria: ACMG Guidelines, 2015. Collection method: clinical testing. Allele origin: germline. Affected: yes.
Comment: The variant is not observed in the gnomAD v4.1.0 dataset. Predicted Consequence/Location: Missense variant In silico tool predictions suggest damaging effect of the variant on gene or gene product [REVEL: 0.97 (>=0.6, sensitivity 0.68 and specificity 0.92); 3Cnet: 0.99 (> 0.75, sensitivity 0.96 and precision 0.92)]. The same nucleotide change resulting in the same amino acid change has been previously reported as pathogenic/likely pathogenic with strong evidence (ClinVar ID: VCV000000334 /PMID: 2114220). The variant has been observed in at least two similarly affected unrelated individuals (PMID: 31776437, 37272364). A different missense change at the same codon (p.Leu1953Val) has been reported to be associated with NF1-related disorder (ClinVar ID: VCV002802590). Therefore, this variant is classified as Pathogenic according to the recommendation of ACMG/AMP guideline.

Ambry Genetics
Classification: Pathogenic for Cardiovascular phenotype; Hereditary cancer-predisposing syndrome. Last evaluated: 2025-01-15. Review status: criteria provided, single submitter. Criteria: Ambry Variant Classification Scheme 2023. Collection method: clinical testing. Allele origin: germline.
Comment: The p.L1932P pathogenic mutation (also known as c.5795T>C), located in coding exon 39 of the NF1 gene, results from a T to C substitution at nucleotide position 5795. The leucine at codon 1932 is replaced by proline, an amino acid with similar properties. This variant was reported in individual(s) with features consistent with neurofibromatosis type 1 (Cawthon RM et al. Cell, 1990 Jul;62:193-201; Wang Q et al. Hum Genet, 2003 Feb;112:117-23; Nasi L et al. Acta Derm Venereol, 2023 Jun;103:adv5758; Kang E et al. J Hum Genet, 2020 Jan;65:79-89; Ambry internal data). This missense alteration is located in a region that has a low rate of benign missense variation (Lek M et al. Nature. 2016 Aug 18;536(7616):285-91; DECIPHER: Database of Chromosomal Imbalance and Phenotype in Humans using Ensembl Resources. Firth H.V. et al. 2009. Am.J.Hum.Genet. 84, 524-533 (DOI)). In addition, this alteration is predicted to be deleterious by in silico analysis. This variant is considered to be rare based on population cohorts in the Genome Aggregation Database (gnomAD). Based on the supporting evidence, this variant is interpreted as a disease-causing mutation.

Labcorp Genetics (formerly Invitae), Labcorp
Classification: Pathogenic for Neurofibromatosis, type 1. Last evaluated: 2023-10-18. Review status: criteria provided, single submitter. Criteria: Invitae Variant Classification Sherloc (09022015). Collection method: clinical testing. Allele origin: germline.
Comment: This sequence change replaces leucine, which is neutral and non-polar, with proline, which is neutral and non-polar, at codon 1932 of the NF1 protein (p.Leu1932Pro). This variant is not present in population databases (gnomAD no frequency). This missense change has been observed in individual(s) with neurofibromatosis type 1 and/or NF1-related conditions (PMID: 2114220, 12522551, 31776437; Invitae). In at least one individual the variant was observed to be de novo. This variant is also known as 1045C>T. ClinVar contains an entry for this variant (Variation ID: 334). Advanced modeling of protein sequence and biophysical properties (such as structural, functional, and spatial information, amino acid conservation, physicochemical variation, residue mobility, and thermodynamic stability) performed at Invitae indicates that this missense variant is expected to disrupt NF1 protein function. For these reasons, this variant has been classified as Pathogenic.

Blueprint Genetics
Classification: Likely pathogenic for NF1-related disorders. Last evaluated: 2020-09-25. Review status: criteria provided, single submitter. Criteria: ACMG Guidelines, 2015. Collection method: clinical testing. Allele origin: germline. Affected: yes. Observed: 1 variant allele.

GeneDx
Classification: Uncertain significance. Last evaluated: 2019-05-07. Review status: criteria provided, single submitter. Criteria: GeneDx Variant Classification Process June 2021. Collection method: clinical testing. Allele origin: germline. Affected: yes.
Comment: Not observed in large population cohorts (Lek et al., 2016); This variant is associated with the following publications: (PMID: 12522551, 2114220, 31776437)

Cambridge Genomics Laboratory, East Genomic Laboratory Hub, NHS Genomic Medicine Service
Classification: Likely pathogenic for Neurocutaneous syndrome. Last evaluated: 2019-04-17. Review status: criteria provided, single submitter. Criteria: ACGS Best Practice Guidelines for Variant Classification in Rare Disease 2020. Collection method: clinical testing. Allele origin: germline. Affected: yes. Observed: 1 variant allele.

Zotz-Klimas Genetics Lab, MVZ Zotz Klimas
Classification: Pathogenic for Neurofibromatosis, type 1. Last evaluated: 2023-11-02. Review status: no assertion criteria provided. Collection method: clinical testing. Allele origin: germline. Affected: yes. Not counted in ClinVar's aggregate classification.

OMIM
Classification: Pathogenic for NEUROFIBROMATOSIS, TYPE I. Last evaluated: 2013-04-03. Review status: no assertion criteria provided. Collection method: literature only. Allele origin: germline. Not counted in ClinVar's aggregate classification.

UniProtKB/Swiss-Prot
No classification provided. Review status: no classification provided. Collection method: not provided. Allele origin: not provided. Not counted in ClinVar's aggregate classification.

Literature cited by the submitters: PubMed 37272364 (cited by 3billion and Ambry Genetics); PubMed 2114220 (cited by 3 submitters); PubMed 31776437 (cited by 3 submitters); PubMed 12522551 (cited by Ambry Genetics and Labcorp Genetics (formerly Invitae), Labcorp); Cawthon, R. M., Viskochil, D., O'Connell, P., Buchberg, A., Andersen, L., Wallace, M., Marchuk, D., Stevens, J., Culver, M., Xu, G., Collins, F. S., Jenkins, N., Copeland, N., White, R. Identification and characterization of several genes between or nearby neurofibromatosis type I translocation breakpoint. (Abstract) Am. J. Hum. Genet. 47 (suppl.): A109, 1990. (cited by OMIM).